The following is an entry in ClinVar:

ClinVar aggregate classification (germline): Uncertain significance (1 of 4 stars; one submission).

Conditions:
CACNA1A-related disorder. Also called: CACNA1A-related condition.

Submission:

PreventionGenetics, part of Exact Sciences
Classification: Uncertain significance for CACNA1A-related condition. Last evaluated: 2025-04-07. Review status: criteria provided, single submitter. Criteria: ACMG Guidelines, 2015. Collection method: clinical testing. Allele origin: germline.
Comment: The CACNA1A c.5515G>T variant is predicted to result in the amino acid substitution p.Asp1839Tyr. To our knowledge, this variant has not been reported in the literature or in a large population database (gnomAD), indicating this variant is rare. At this time, the clinical significance of this variant is uncertain due to the absence of conclusive functional and genetic evidence.

NM_001127222.2(CACNA1A):c.5515G>T (p.Asp1839Tyr)

Gene: CACNA1A (calcium voltage-gated channel subunit alpha1 A; minus strand). Cytogenetic location: 19p13.13.
Variant type: single nucleotide variant.
Coding change: c.5515G>T on transcript NM_001127222.2 (MANE Select); coding-DNA position 5515, G replaced by T.
Protein change: p.Asp1839Tyr; replaces aspartic acid 1839 with tyrosine.
Molecular consequence: missense variant.
Genome position (GRCh38, 1-based): chr19:13,230,095, C>A on the plus strand (G>T on the coding strand, the complement: CACNA1A is on the minus strand). VCF-style: chr19-13230095-C-A. GRCh37 (hg19) VCF-style: chr19-13340909-C-A.
Other names: c.5533G>T, p.Asp1845Tyr (NM_000068.4, NM_023035.3); c.5518G>T, p.Asp1840Tyr (NM_001127221.2); c.5524G>T, p.Asp1842Tyr (NM_001174080.2); short protein forms D1839Y, D1840Y, D1842Y, D1845Y.
Identifiers: ClinVar variation 2637096 (VCV002637096.2), dbSNP rs2512617600, ClinGen allele CA404333252.